The following is an entry in ClinVar:

ClinVar aggregate classification (germline): Conflicting classifications of pathogenicity. Review status: criteria provided, conflicting classifications (1 of 4 stars). 3 submissions from 3 submitters: Uncertain significance (2); Likely benign (1). Last evaluated 2023-03-23.

Conditions:
Hereditary cancer-predisposing syndrome. Also called: Neoplastic Syndromes, Hereditary; Tumor predisposition; Hereditary Cancer Syndrome; Hereditary neoplastic syndrome. Identifiers: Orphanet 140162, MedGen C0027672, MeSH D009386, MONDO:0015356.
Hereditary breast ovarian cancer syndrome. Also called: Hereditary breast and/or ovarian cancer syndrome; BRCA1- and BRCA2-Associated Hereditary Breast and Ovarian Cancer; Hereditary breast and ovarian cancer syndrome; Hereditary breast and ovarian cancer; Hereditary breast and ovarian cancer syndrome (HBOC); Breast and ovarian cancer. Identifiers: Orphanet 145, MedGen C0677776, MeSH D061325, MONDO:0003582. Disease mechanism: loss of function.

Submissions (3):

University of Washington Department of Laboratory Medicine, University of Washington
Classification: Likely benign for Hereditary cancer-predisposing syndrome. Last evaluated: 2023-03-23. Review status: criteria provided, single submitter. Criteria: Dines et al. (Genet Med. 2020). Collection method: curation. Allele origin: germline.
Comment: Missense variant in a coldspot region where missense variants are very unlikely to be pathogenic (PMID:31911673).

BRCA1 coldspot (exon 11 using historical exon numbering). Reclassification based on statistical prior probability

Labcorp Genetics (formerly Invitae), Labcorp
Classification: Uncertain significance for Hereditary breast ovarian cancer syndrome. Last evaluated: 2022-06-03. Review status: criteria provided, single submitter. Criteria: Invitae Variant Classification Sherloc (09022015). Collection method: clinical testing. Allele origin: germline.
Comment: In summary, the available evidence is currently insufficient to determine the role of this variant in disease. Therefore, it has been classified as a Variant of Uncertain Significance. Advanced modeling of protein sequence and biophysical properties (such as structural, functional, and spatial information, amino acid conservation, physicochemical variation, residue mobility, and thermodynamic stability) performed at Invitae indicates that this missense variant is not expected to disrupt BRCA1 protein function. ClinVar contains an entry for this variant (Variation ID: 820542). This variant has not been reported in the literature in individuals affected with BRCA1-related conditions. This variant is not present in population databases (gnomAD no frequency). This sequence change replaces threonine, which is neutral and polar, with isoleucine, which is neutral and non-polar, at codon 676 of the BRCA1 protein (p.Thr676Ile).

Ambry Genetics
Classification: Uncertain significance for Hereditary cancer-predisposing syndrome. Last evaluated: 2019-07-17. Review status: criteria provided, single submitter. Criteria: Ambry Variant Classification Scheme 2023. Collection method: clinical testing. Allele origin: germline.
Comment: The p.T676I variant (also known as c.2027C>T), located in coding exon 9 of the BRCA1 gene, results from a C to T substitution at nucleotide position 2027. The threonine at codon 676 is replaced by isoleucine, an amino acid with similar properties. This amino acid position is poorly conserved in available vertebrate species. In addition, the in silico prediction for this alteration is inconclusive. Since supporting evidence is limited at this time, the clinical significance of this alteration remains unclear.

NM_007294.4(BRCA1):c.2027C>T (p.Thr676Ile)

Gene: BRCA1 (BRCA1 DNA repair associated; minus strand). Cytogenetic location: 17q21.31.
Variant type: single nucleotide variant.
Coding change: c.2027C>T on transcript NM_007294.4 (MANE Select); coding-DNA position 2027, C replaced by T.
Protein change: p.Thr676Ile; replaces threonine 676 with isoleucine.
Molecular consequence: missense variant. On other transcripts: intron variant (137).
Genome position (GRCh38, 1-based): chr17:43,093,504, G>A on the plus strand (C>T on the coding strand, the complement: BRCA1 is on the minus strand). VCF-style: chr17-43093504-G-A. GRCh37 (hg19) VCF-style: chr17-41245521-G-A.
Other names: c.1901C>T, p.Thr634Ile (NM_001407941.1, NM_001407649.1, NM_001407670.1 and 11 more transcripts); c.1694C>T, p.Thr565Ile (NM_001407946.1, NM_001407949.1, NM_001407947.1 and 6 more transcripts); c.1886C>T, p.Thr629Ile (NM_001407944.1, NM_001407945.1, NM_001407942.1 and 29 more transcripts); c.1883C>T, p.Thr628Ile (NM_001407943.1, NM_001407740.1, NM_001407741.1 and 20 more transcripts); c.1814C>T, p.Thr605Ile (NM_001407571.1, NM_001407853.1, NM_001407894.1 and 9 more transcripts); c.2027C>T, p.Thr676Ile (NM_001407581.1, NM_001407582.1, NM_001407583.1 and 30 more transcripts); c.2024C>T, p.Thr675Ile (NM_001407587.1, NM_001407590.1, NM_001407591.1 and 22 more transcripts); c.2018C>T, p.Thr673Ile (NM_001407646.1, NM_001407647.1); and 40 more; short protein forms T629I, T676I, T380I, T588I, T605I, T609I, T650I, T508I.
Identifiers: ClinVar variation 820542 (VCV000820542.17), dbSNP rs1597872628, ClinGen allele CA10597954.